The following is an entry in ClinVar:

ClinVar aggregate classification (germline): Uncertain significance (1 of 4 stars; one submission).

Submission:

GeneDx
Classification: Uncertain significance. Last evaluated: 2024-02-29. Review status: criteria provided, single submitter. Criteria: GeneDx Variant Classification Process June 2021. Collection method: clinical testing. Allele origin: germline. Affected: yes.
Comment: Not observed at significant frequency in large population cohorts (gnomAD); In silico analysis supports that this missense variant has a deleterious effect on protein structure/function; Has not been previously published as pathogenic or benign to our knowledge; In silico analysis suggests this variant may impact gene splicing. In the absence of RNA/functional studies, the actual effect of this sequence change is unknown.; Although located in a calcium-binding EGF-like domain of the FBN2 gene, it does not substitute or introduce a cysteine residue (PMID: 19006240, 18767143); This variant is associated with the following publications: (PMID: 19006240, 18767143)

NM_001999.4(FBN2):c.6048C>G (p.Asp2016Glu)

Gene: FBN2 (fibrillin 2; minus strand). Cytogenetic location: 5q23.3.
Variant type: single nucleotide variant.
Coding change: c.6048C>G on transcript NM_001999.4 (MANE Select); coding-DNA position 6048, C replaced by G.
Protein change: p.Asp2016Glu; replaces aspartic acid 2016 with glutamic acid.
Molecular consequence: missense variant.
Genome position (GRCh38, 1-based): chr5:128,300,935, G>C on the plus strand (C>G on the coding strand, the complement: FBN2 is on the minus strand). VCF-style: chr5-128300935-G-C. GRCh37 (hg19) VCF-style: chr5-127636627-G-C.
Other names: short protein forms D2016E.
Identifiers: ClinVar variation 3373548 (VCV003373548.1).